The following is an entry in ClinVar:

NM_000417.3(IL2RA):c.10T>C (p.Tyr4His)

Genes: IL2RA (interleukin 2 receptor subunit alpha; minus strand), LOC128462384 (CRISPRi-FlowFISH-validated IL2RA regulatory element GRCh37_chr10:6104083-6104713; plus strand). Cytogenetic location: 10p15.1.
Variant type: single nucleotide variant.
Coding change: c.10T>C on transcript NM_000417.3 (MANE Select); coding-DNA position 10, T replaced by C.
Protein change: p.Tyr4His; replaces tyrosine 4 with histidine.
Molecular consequence: missense variant.
Genome position (GRCh38, 1-based): chr10:6,062,142, A>G on the plus strand (T>C on the coding strand, the complement: IL2RA is on the minus strand). VCF-style: chr10-6062142-A-G. GRCh37 (hg19) VCF-style: chr10-6104105-A-G.
Other names: c.10T>C, p.Tyr4His (NM_001308242.2, NM_001308243.2); short protein forms Y4H.
Identifiers: ClinVar variation 1922101 (VCV001922101.5), dbSNP rs1564556393, ClinGen allele CA375940533.

ClinVar aggregate classification (germline): Uncertain significance (1 of 4 stars; one submission).

Conditions:
Immunodeficiency due to CD25 deficiency. Also called: IL2RA DEFICIENCY; IMMUNODEFICIENCY 41 WITH LYMPHOPROLIFERATION AND AUTOIMMUNITY; CD25 DEFICIENCY. Identifiers: Orphanet 169100, MedGen C1853392, MONDO:0011664, OMIM 606367.

Allele frequency attached by ClinVar (database versions not stated): gnomAD exomes below 0.00001.

Submission:

Labcorp Genetics (formerly Invitae), Labcorp
Classification: Uncertain significance for Immunodeficiency due to CD25 deficiency. Last evaluated: 2025-11-10. Review status: criteria provided, single submitter. Criteria: Invitae Variant Classification Sherloc (09022015). Collection method: clinical testing. Allele origin: germline.
Comment: This sequence change replaces tyrosine, which is neutral and polar, with histidine, which is basic and polar, at codon 4 of the IL2RA protein (p.Tyr4His). This variant is not present in population databases (gnomAD no frequency). This variant has not been reported in the literature in individuals affected with IL2RA-related conditions. ClinVar contains an entry for this variant (Variation ID: 1922101). Invitae Evidence Modeling of protein sequence and biophysical properties (such as structural, functional, and spatial information, amino acid conservation, physicochemical variation, residue mobility, and thermodynamic stability) indicates that this missense variant is not expected to disrupt IL2RA protein function with a negative predictive value of 80%. In summary, the available evidence is currently insufficient to determine the role of this variant in disease. Therefore, it has been classified as a Variant of Uncertain Significance.